The following is an entry in ClinVar:

ClinVar aggregate classification (germline): Pathogenic (1 of 4 stars; one submission).

Conditions:
Catecholaminergic polymorphic ventricular tachycardia 1. Also called: VENTRICULAR TACHYCARDIA, STRESS-INDUCED POLYMORPHIC 1; VENTRICULAR TACHYCARDIA, CATECHOLAMINERGIC POLYMORPHIC, 1, WITH OR WITHOUT ATRIAL DYSFUNCTION AND/OR DILATED CARDIOMYOPATHY; RYR2-Related Catecholaminergic Polymorphic Ventricular Tachycardia. Identifiers: Orphanet 3286, MedGen C1631597, MONDO:0011484, OMIM 604772.

Submission:

Labcorp Genetics (formerly Invitae), Labcorp
Classification: Pathogenic for Catecholaminergic polymorphic ventricular tachycardia 1. Last evaluated: 2025-06-09. Review status: criteria provided, single submitter. Criteria: Invitae Variant Classification Sherloc (09022015). Collection method: clinical testing. Allele origin: germline.
Comment: This sequence change replaces aspartic acid, which is acidic and polar, with glycine, which is neutral and non-polar, at codon 4745 of the RYR2 protein (p.Asp4745Gly). This variant is not present in population databases (gnomAD no frequency). This missense change has been observed in individual(s) with clinical features of catecholaminergic polymorphic ventricular tachycardia (internal data). In at least one individual the variant was observed to be de novo. ClinVar contains an entry for this variant (Variation ID: 1066599). Invitae Evidence Modeling of protein sequence and biophysical properties (such as structural, functional, and spatial information, amino acid conservation, physicochemical variation, residue mobility, and thermodynamic stability) indicates that this missense variant is expected to disrupt RYR2 protein function with a positive predictive value of 95%. For these reasons, this variant has been classified as Pathogenic.

NM_001035.3(RYR2):c.14234A>G (p.Asp4745Gly)

Gene: RYR2 (ryanodine receptor 2; plus strand). Cytogenetic location: 1q43.
Variant type: single nucleotide variant.
Coding change: c.14234A>G on transcript NM_001035.3 (MANE Select); coding-DNA position 14234, A replaced by G.
Protein change: p.Asp4745Gly; replaces aspartic acid 4745 with glycine.
Molecular consequence: missense variant.
Genome position (GRCh38, 1-based): chr1:237,806,219, A>G. VCF-style: chr1-237806219-A-G. GRCh37 (hg19) VCF-style: chr1-237969519-A-G.
Other names: short protein forms D4745G.
Identifiers: ClinVar variation 1066599 (VCV001066599.48), dbSNP rs2149437640, ClinGen allele CA345423074.
Genomic context (GRCh38, chr1:237,806,219, plus strand): 5'-ATATGACTATGTCTGTTCTTGGACACTATAACAACTTTTTTTTTGCCGCTCACCTTCTCG[A>G]CATTGCTATGGGATTCAAGACATTAAGAACCATCTTGTCCTCAGTAACTCACAATGGCAA-3'
Protein context (NP_001026.2, residues 4735-4755): NNFFFAAHLL[Asp4745Gly]IAMGFKTLRT